The following is an entry in ClinVar:

NM_004287.5(GOSR2):c.248C>T (p.Ala83Val)

Genes: GOSR2 (golgi SNAP receptor complex member 2; plus strand), LRRC37A2 (leucine rich repeat containing 37 member A2), LOC126862578 (BRD4-independent group 4 enhancer GRCh37_chr17:45008344-45009543; plus strand). Cytogenetic location: 17q21.32.
Variant type: single nucleotide variant.
Coding change: c.248C>T on transcript NM_004287.5 (MANE Select); coding-DNA position 248, C replaced by T.
Protein change: p.Ala83Val; replaces alanine 83 with valine.
Molecular consequence: missense variant. On other transcripts: non-coding transcript variant (3).
Genome position (GRCh38, 1-based): chr17:46,932,111, C>T. VCF-style: chr17-46932111-C-T. GRCh37 (hg19) VCF-style: chr17-45009477-C-T.
Other names: c.248C>T, p.Ala83Val (NM_001012511.3, NM_001321133.2, NM_001330252.2 and 1 more transcripts); c.194C>T, p.Ala65Val (NM_001321134.2, NM_001363851.2); c.245C>T, p.Ala82Val (NM_001353114.2, NM_001353115.2, NM_001353116.2); short protein forms A82V, A83V, A65V.
Identifiers: ClinVar variation 1044411 (VCV001044411.4), dbSNP rs577835455, ClinGen allele CA8621217.

ClinVar aggregate classification (germline): Uncertain significance (1 of 4 stars; one submission).

Conditions:
Progressive myoclonic epilepsy. Also called: Myoclonic Epilepsies, Progressive; Familial progressive myoclonic epilepsy; Myoclonus epilepsy; Progressive myoclonus epilepsy. Identifiers: Orphanet 308, Orphanet 98261, MedGen C0751778, MONDO:0020074.

Allele frequency attached by ClinVar (database versions not stated): gnomAD 0.00001 and 0.00003; TOPMed 0.00002; gnomAD exomes 0.00003 and 0.00008; ExAC 0.00007; 1000 Genomes Project 30x 0.00031; 1000 Genomes Project 0.00040.
gnomAD v4.1: 45 of 1,613,190 alleles (0.0028%); highest among the groups gnomAD compares: South Asian, 0.038%; no homozygotes.

Submission:

Labcorp Genetics (formerly Invitae), Labcorp
Classification: Uncertain significance for Progressive myoclonic epilepsy. Last evaluated: 2022-07-05. Review status: criteria provided, single submitter. Criteria: Invitae Variant Classification Sherloc (09022015). Collection method: clinical testing. Allele origin: germline.
Comment: This sequence change replaces alanine, which is neutral and non-polar, with valine, which is neutral and non-polar, at codon 83 of the GOSR2 protein (p.Ala83Val). This variant is present in population databases (rs577835455, gnomAD 0.05%). This variant has not been reported in the literature in individuals affected with GOSR2-related conditions. ClinVar contains an entry for this variant (Variation ID: 1044411). Algorithms developed to predict the effect of missense changes on protein structure and function are either unavailable or do not agree on the potential impact of this missense change (SIFT: "Deleterious"; PolyPhen-2: "Benign"; Align-GVGD: "Class C0"). In summary, the available evidence is currently insufficient to determine the role of this variant in disease. Therefore, it has been classified as a Variant of Uncertain Significance.